The following is an entry in ClinVar:

NM_004393.6(DAG1):c.1283G>A (p.Arg428Gln)

Gene: DAG1 (dystroglycan 1; plus strand). Cytogenetic location: 3p21.31.
Variant type: single nucleotide variant.
Coding change: c.1283G>A on transcript NM_004393.6 (MANE Select); coding-DNA position 1283, G replaced by A.
Protein change: p.Arg428Gln; replaces arginine 428 with glutamine.
Molecular consequence: missense variant.
Genome position (GRCh38, 1-based): chr3:49,531,794, G>A. VCF-style: chr3-49531794-G-A. GRCh37 (hg19) VCF-style: chr3-49569227-G-A.
Other names: c.1283G>A, p.Arg428Gln (NM_001165928.4, NM_001177634.3, NM_001177635.3 and 9 more transcripts); short protein forms R428Q.
Identifiers: ClinVar variation 429305 (VCV000429305.8), dbSNP rs780793711, ClinGen allele CA2399047.

ClinVar aggregate classification (germline): Uncertain significance. Review status: criteria provided, multiple submitters, no conflicts (2 of 4 stars). 3 submissions from 3 submitters: Uncertain significance (3). Last evaluated 2023-05-03.

Conditions:
Muscular dystrophy-dystroglycanopathy (congenital with brain and eye anomalies), type A9. Also called: WALKER-WARBURG SYNDROME OR MUSCLE-EYE BRAIN DISEASE, DAG1-RELATED; Muscular dystrophy-dystroglycanopathy (congenital with brain and eye anomalies), type a, 9. Identifiers: Orphanet 370997, Orphanet 899, MedGen C4225291, MONDO:0014683, OMIM 616538.
Autosomal recessive limb-girdle muscular dystrophy type 2P. Also called: MUSCULAR DYSTROPHY-DYSTROGLYCANOPATHY, LIMB-GIRDLE, DAG1-RELATED; MUSCULAR DYSTROPHY, LIMB-GIRDLE, TYPE 2P; Limb-Girdle Muscular Dystrophy Type 9C. Identifiers: Orphanet 280333, MedGen C4511963, MONDO:0013440, OMIM 613818.

Allele frequency attached by ClinVar (database versions not stated): ExAC 0.00001; TOPMed 0.00001; gnomAD exomes 0.00002 and 0.00006; gnomAD 0.00003 and 0.00004.
gnomAD v4.1: 94 of 1,613,252 alleles (0.0058%); highest among the groups gnomAD compares: Admixed American, 0.0083%; no homozygotes.

Submissions (3):

Revvity Omics, Revvity
Classification: Uncertain significance. Last evaluated: 2023-05-03. Review status: criteria provided, single submitter. Criteria: ACMG Guidelines, 2015. Collection method: clinical testing. Allele origin: germline.

Labcorp Genetics (formerly Invitae), Labcorp
Classification: Uncertain significance for Autosomal recessive limb-girdle muscular dystrophy type 2P; Muscular dystrophy-dystroglycanopathy (congenital with brain and eye anomalies), type A9. Last evaluated: 2021-08-27. Review status: criteria provided, single submitter. Criteria: Invitae Variant Classification Sherloc (09022015). Collection method: clinical testing. Allele origin: germline.
Comment: This sequence change replaces arginine with glutamine at codon 428 of the DAG1 protein (p.Arg428Gln). The arginine residue is moderately conserved and there is a small physicochemical difference between arginine and glutamine. This variant is present in population databases (rs780793711, ExAC 0.001%). This variant has not been reported in the literature in individuals affected with DAG1-related conditions. ClinVar contains an entry for this variant (Variation ID: 429305). Algorithms developed to predict the effect of missense changes on protein structure and function (SIFT, PolyPhen-2, Align-GVGD) all suggest that this variant is likely to be tolerated. In summary, the available evidence is currently insufficient to determine the role of this variant in disease. Therefore, it has been classified as a Variant of Uncertain Significance.

GeneDx
Classification: Uncertain significance. Last evaluated: 2017-04-14. Review status: criteria provided, single submitter. Criteria: GeneDx Variant Classification (06012015). Collection method: clinical testing. Allele origin: germline. Affected: yes.
Comment: A variant of uncertain significance has been identified in the DAG1 gene. The R428Q variant has not been published as a pathogenic variant, nor has it been reported as a benign variant to our knowledge. The R428Q variant is not observed at a significant frequency in large population cohorts (Lek et al., 2016; 1000 Genomes Consortium et al., 2015; Exome Variant Server). The R428Q variant is a semi-conservative amino acid substitution, which may impact secondary protein structure as these residues differ in some properties. This substitution occurs at a position that is conserved in mammals. However, in silico analysis is inconsistent in its predictions as to whether or not the variant is damaging to the protein structure/function. Therefore, based on the currently available information, it is unclear whether this variant is a pathogenic variant or a rare benign variant.